The following is an entry in ClinVar:

NM_000277.3(PAH):c.3G>A (p.Met1Ile)

Gene: PAH (phenylalanine hydroxylase; minus strand). Cytogenetic location: 12q23.2.
Variant type: single nucleotide variant.
Coding change: c.3G>A on transcript NM_000277.3 (MANE Select); coding-DNA position 3, G replaced by A.
Protein change: p.Met1Ile; changes the start codon (methionine 1).
Molecular consequence: missense variant, initiator codon variant.
Genome position (GRCh38, 1-based): chr12:102,917,128, C>T on the plus strand (G>A on the coding strand, the complement: PAH is on the minus strand). VCF-style: chr12-102917128-C-T. GRCh37 (hg19) VCF-style: chr12-103310906-C-T.
Other names: c.3G>A, p.Met1Ile (NM_001354304.2); short protein forms M1I.
Identifiers: ClinVar variation 622 (VCV000000622.86), dbSNP rs62514893, ClinGen allele CA229532.

ClinVar aggregate classification (germline): Pathogenic. Review status: reviewed by expert panel (3 of 4 stars). 4 submissions from 4 submitters: Pathogenic (1). 3 of the submissions do not count toward it. Last evaluated 2019-07-07.

Conditions:
Phenylketonuria (PKU). Also called: Phenylketonuria (PKU); Phenylketonurias; OLIGOPHRENIA PHENYLPYRUVICA; FOLLING DISEASE. Identifiers: Orphanet 716, MedGen C0031485, MONDO:0009861, OMIM 261600. Disease mechanism: loss of function.

Submissions (4):

ClinGen PAH Variant Curation Expert Panel
Classification: Pathogenic for Phenylketonuria. Last evaluated: 2019-07-07. Review status: reviewed by expert panel. Criteria: ClinGen PAH ACMG Specifications v1. Collection method: curation. Allele origin: germline. Inheritance: Autosomal recessive inheritance.
Comment: The c.3G>A (p.Met1Ile) variant is a null variant (start loss) where LOF is a known mechanism of disease. There are no known alternative start codons in other transcripts. The next in-frame Met is at amino acid 180 in exon 6. There are 49 pathogenic variants in ClinVar upstream of aa 180. The p.Met1Val variant has <3% enzyme activity as compared to wild type (PMID: 9450897), confirming start loss variants lead to loss of function of the PAH enzyme without re-initiation. This variant has been detected in multiple patients with PKU, BH4 deficiency excluded. PMID: 1301947, 23514811 (PP4_Moderate). This variant is absent in population databases (PM2). This variant was detected in trans with pathogenic variants IVS12+1G>A (PMID: 1301947) and p.F55L (27121329) (PM3_Strong). This variant has been detected de novo (PS2_moderate; PMID: 1301947), and in affected siblings (PP1; 23514811) In summary, this variant meets criteria to be classified as pathogenic for PAH. PAH-specific ACMG/AMP criteria applied: PM3_strong, PVS1, PM2, PP4_Moderate, PS2_moderate, PP1.

Labcorp Genetics (formerly Invitae), Labcorp
Classification: Pathogenic for Phenylketonuria. Last evaluated: 2022-10-29. Review status: criteria provided, single submitter. Criteria: Invitae Variant Classification Sherloc (09022015). Collection method: clinical testing. Allele origin: germline. Not counted in ClinVar's aggregate classification.
Comment: Disruption of the initiator codon has been observed in individual(s) with hyperphenylalaninemia (PMID: 1301947, 10679941, 32668217). This sequence change affects the initiator methionine of the PAH mRNA. The next in-frame methionine is located at codon 180. This variant is not present in population databases (gnomAD no frequency). ClinVar contains an entry for this variant (Variation ID: 622). For these reasons, this variant has been classified as Pathogenic.

OMIM
Classification: Pathogenic for PHENYLKETONURIA. Last evaluated: 1992-01-01. Review status: no assertion criteria provided. Collection method: literature only. Allele origin: germline. Not counted in ClinVar's aggregate classification.

DeBelle Laboratory for Biochemical Genetics, MUHC/MCH RESEARCH INSTITUTE
No classification provided. Review status: no classification provided. Collection method: not provided. Allele origin: not provided. Not counted in ClinVar's aggregate classification.

Literature cited by the submitters: PubMed 1301947 (cited by 3 submitters); PubMed 27121329 (cited by ClinGen PAH Variant Curation Expert Panel); PubMed 23514811 (cited by ClinGen PAH Variant Curation Expert Panel); PubMed 10679941 (cited by Labcorp Genetics (formerly Invitae), Labcorp); PubMed 32668217 (cited by Labcorp Genetics (formerly Invitae), Labcorp).